The following is an entry in ClinVar:

NM_001256545.2(MEGF10):c.1921A>T (p.Ile641Phe)

Gene: MEGF10 (multiple EGF like domains 10; plus strand). Cytogenetic location: 5q23.2.
Variant type: single nucleotide variant.
Coding change: c.1921A>T on transcript NM_001256545.2 (MANE Select); coding-DNA position 1921, A replaced by T.
Protein change: p.Ile641Phe; replaces isoleucine 641 with phenylalanine.
Molecular consequence: missense variant.
Genome position (GRCh38, 1-based): chr5:127,434,767, A>T. VCF-style: chr5-127434767-A-T. GRCh37 (hg19) VCF-style: chr5-126770459-A-T.
Other names: c.1921A>T, p.Ile641Phe (NM_032446.3); c.1921A>T (NM_032446.2); short protein forms I641F.
Identifiers: ClinVar variation 1410673 (VCV001410673.7), dbSNP rs745565012, ClinGen allele CA3391781.

ClinVar aggregate classification (germline): Uncertain significance. Review status: criteria provided, multiple submitters, no conflicts (2 of 4 stars). 2 submissions from 2 submitters: Uncertain significance (2). Last evaluated 2025-08-07.

Conditions:
Inborn genetic diseases. Identifiers: MedGen C0950123, MeSH D030342.
MEGF10-related myopathy (CMYO10A). Also called: Congenital myopathy 10A, severe variant. Identifiers: Orphanet 439212, MedGen C3280679, MONDO:0013731, OMIM 614399.

Allele frequency attached by ClinVar (database versions not stated): ExAC 0.00001; gnomAD 0.00001; TOPMed 0.00001.
gnomAD v4.1: 9 of 1,613,768 alleles (0.00056%); highest among the groups gnomAD compares: Admixed American, 0.0033%; no homozygotes.

Submissions (2):

Ambry Genetics
Classification: Uncertain significance for Inborn genetic diseases. Last evaluated: 2025-08-07. Review status: criteria provided, single submitter. Criteria: Ambry Variant Classification Scheme 2023. Collection method: clinical testing. Allele origin: germline.

Labcorp Genetics (formerly Invitae), Labcorp
Classification: Uncertain significance for MEGF10-related myopathy. Last evaluated: 2021-08-28. Review status: criteria provided, single submitter. Criteria: Invitae Variant Classification Sherloc (09022015). Collection method: clinical testing. Allele origin: germline.
Comment: In summary, the available evidence is currently insufficient to determine the role of this variant in disease. Therefore, it has been classified as a Variant of Uncertain Significance. Algorithms developed to predict the effect of missense changes on protein structure and function are either unavailable or do not agree on the potential impact of this missense change (SIFT: "Deleterious"; PolyPhen-2: "Benign"; Align-GVGD: "Class C0"). This variant has not been reported in the literature in individuals affected with MEGF10-related conditions. This variant is present in population databases (rs745565012, ExAC 0.002%). This sequence change replaces isoleucine with phenylalanine at codon 641 of the MEGF10 protein (p.Ile641Phe). The isoleucine residue is highly conserved and there is a small physicochemical difference between isoleucine and phenylalanine.